The following is an entry in ClinVar:

NM_000026.4(ADSL):c.701+1G>A

Gene: ADSL (adenylosuccinate lyase; plus strand). Cytogenetic location: 22q13.1.
Variant type: single nucleotide variant.
Coding change: c.701+1G>A on transcript NM_000026.4 (MANE Select); the canonical splice donor site of the intron after coding-DNA position 701, G replaced by A.
Molecular consequence: splice donor variant.
Genome position (GRCh38, 1-based): chr22:40,359,307, G>A. VCF-style: chr22-40359307-G-A. GRCh37 (hg19) VCF-style: chr22-40755311-G-A.
Other names: c.701+1G>A (NM_001363840.3, NM_001410812.1, NM_001123378.3 and 1 more transcripts); c.656+1G>A (NM_001410814.1); c.509+1G>A (NM_001317923.2).
Identifiers: ClinVar variation 934298 (VCV000934298.8), dbSNP rs546878201, ClinGen allele CA10247787.

ClinVar aggregate classification (germline): Pathogenic (1 of 4 stars; one submission).

Conditions:
Adenylosuccinate lyase deficiency (ADSLD). Also called: ADSL DEFICIENCY. Identifiers: Orphanet 46, MedGen C0268126, MONDO:0007068, OMIM 103050.

Allele frequency attached by ClinVar (database versions not stated): gnomAD exomes below 0.00001; ExAC 0.00001; gnomAD 0.00001; 1000 Genomes Project 0.00020; 1000 Genomes Project 30x 0.00031.
gnomAD v4.1: 2 of 1,614,030 alleles (0.00012%); highest among the groups gnomAD compares: South Asian, 0.0011%; no homozygotes.

Submission:

Labcorp Genetics (formerly Invitae), Labcorp
Classification: Pathogenic for Adenylosuccinate lyase deficiency. Last evaluated: 2022-10-28. Review status: criteria provided, single submitter. Criteria: Invitae Variant Classification Sherloc (09022015). Collection method: clinical testing. Allele origin: germline.
Comment: For these reasons, this variant has been classified as Pathogenic. Algorithms developed to predict the effect of sequence changes on RNA splicing suggest that this variant may disrupt the consensus splice site. ClinVar contains an entry for this variant (Variation ID: 934298). Disruption of this splice site has been observed in individual(s) with adenylosuccinate lyase deficiency (PMID: 32681428). In at least one individual the data is consistent with being in trans (on the opposite chromosome) from a pathogenic variant. This variant is present in population databases (rs546878201, gnomAD 0.003%). This sequence change affects a donor splice site in intron 6 of the ADSL gene. It is expected to disrupt RNA splicing. Variants that disrupt the donor or acceptor splice site typically lead to a loss of protein function (PMID: 16199547), and loss-of-function variants in ADSL are known to be pathogenic (PMID: 10888601, 20177786).

Literature cited by the submitters: PubMed 32681428; PubMed 16199547; PubMed 10888601; PubMed 20177786.